The following is an entry in ClinVar:

NM_000256.3(MYBPC3):c.1863C>T (p.Phe621=)

Gene: MYBPC3 (myosin binding protein C3; minus strand). Cytogenetic location: 11p11.2.
Variant type: single nucleotide variant.
Coding change: c.1863C>T on transcript NM_000256.3 (MANE Select); coding-DNA position 1863, C replaced by T.
Protein change: p.Phe621=; no amino-acid change (phenylalanine 621 retained).
Molecular consequence: synonymous variant.
Genome position (GRCh38, 1-based): chr11:47,341,172, G>A on the plus strand (C>T on the coding strand, the complement: MYBPC3 is on the minus strand). VCF-style: chr11-47341172-G-A. GRCh37 (hg19) VCF-style: chr11-47362723-G-A.
Identifiers: ClinVar variation 36603 (VCV000036603.29), dbSNP rs193922378, ClinGen allele CA011356.

ClinVar aggregate classification (germline): Benign/Likely benign. Review status: criteria provided, multiple submitters, no conflicts (2 of 4 stars). 10 submissions from 10 submitters: Benign (1); Likely benign (7). 2 of the submissions do not count toward it. Last evaluated 2026-03-27.

Conditions:
MYBPC3-related disorder. Also called: MYBPC3-related condition; MYBPC3-related disease; MYBPC3-related disorders.
Cardiovascular phenotype. Identifiers: MedGen CN230736.
Cardiomyopathy (CMYO). Also called: Cardiomyopathies. Identifiers: Orphanet 167848, MedGen C0878544, MONDO:0004994, HP:0001638. Inheritance: Various modes of inheritance.
Primary familial hypertrophic cardiomyopathy (HCM). Identifiers: Orphanet 99739, MedGen C0949658, MeSH D024741, MONDO:0024573. Inheritance: Various modes of inheritance.
Hypertrophic cardiomyopathy. Also called: HYPERTROPHIC MYOCARDIOPATHY. Identifiers: Orphanet 217569, MedGen C0007194, MeSH D002312, MONDO:0005045, HP:0001639.

Allele frequency attached by ClinVar (database versions not stated): gnomAD exomes 0.00007 and 0.00011; ExAC 0.00024; TOPMed 0.00029; gnomAD 0.00032; ESP Exome Variant Server 0.00040; 1000 Genomes Project 30x 0.00047; 1000 Genomes Project 0.00060.
gnomAD v4.1: 155 of 1,597,722 alleles (0.0097%); highest among the groups gnomAD compares: African/African-American, 0.09%; no homozygotes.

Submissions (10):

Molecular Diagnostic Laboratory for Inherited Cardiovascular Disease, Montreal Heart Institute
Classification: Likely benign. Last evaluated: 2026-03-27. Review status: criteria provided, single submitter. Criteria: ACMG Guidelines, 2015. Collection method: clinical testing. Allele origin: germline. Affected: no.

Labcorp Genetics (formerly Invitae), Labcorp
Classification: Benign for Hypertrophic cardiomyopathy. Last evaluated: 2026-01-31. Review status: criteria provided, single submitter. Criteria: Invitae Variant Classification Sherloc (09022015). Collection method: clinical testing. Allele origin: germline.

Blueprint Genetics
Classification: Likely benign. Last evaluated: 2024-09-12. Review status: criteria provided, single submitter. Criteria: ACMG Guidelines, 2015. Collection method: clinical testing. Allele origin: germline.

All of Us Research Program, National Institutes of Health
Classification: Likely benign for Hypertrophic cardiomyopathy. Last evaluated: 2024-02-05. Review status: criteria provided, single submitter. Criteria: ACMG Guidelines, 2015. Collection method: clinical testing. Allele origin: germline. Inheritance: Autosomal dominant inheritance. Observed: 17 variant alleles, 17 heterozygotes.
Comment: This study involves interpretation of variants in research participants for the purpose of population health screening. Participant phenotype was not available at the time of variant classification. Additional details can be found in publication PMID: 35346344, PMCID: PMC8962531

CHEO Genetics Diagnostic Laboratory, Children's Hospital of Eastern Ontario
Classification: Likely benign for Cardiomyopathy. Last evaluated: 2022-12-28. Review status: criteria provided, single submitter. Criteria: ACMG Guidelines, 2015. Collection method: clinical testing. Allele origin: germline. Study: Canadian Open Genetics Repository.

Color Diagnostics, LLC DBA Color Health
Classification: Likely benign for Cardiomyopathy. Last evaluated: 2019-01-31. Review status: criteria provided, single submitter. Criteria: ACMG Guidelines, 2015. Collection method: clinical testing. Allele origin: germline.

Laboratory for Molecular Medicine, Mass General Brigham Personalized Medicine
Classification: Likely benign. Last evaluated: 2017-03-03. Review status: criteria provided, single submitter. Criteria: LMM Criteria. Collection method: clinical testing. Allele origin: germline. Observed: 3 variant alleles.
Comment: p.Phe621Phe in exon 19 of MYBPC3: This variant is not expected to have clinical significance because it does not alter an amino acid residue and is not located within the splice consensus sequence. It has been identified in 0.1% (7/4616) of African chromosomes by the Exome Aggregation Consortium (ExAC; dbSNP rs193922378).

Ambry Genetics
Classification: Likely benign for Cardiovascular phenotype. Last evaluated: 2016-09-10. Review status: criteria provided, single submitter. Criteria: Ambry Variant Classification Scheme 2023. Collection method: clinical testing. Allele origin: germline.

PreventionGenetics, part of Exact Sciences
Classification: Likely benign for MYBPC3-related condition. Last evaluated: 2024-05-01. Review status: no assertion criteria provided. Collection method: clinical testing. Allele origin: germline. Not counted in ClinVar's aggregate classification.
Comment: This variant is classified as likely benign based on ACMG/AMP sequence variant interpretation guidelines (Richards et al. 2015 PMID: 25741868, with internal and published modifications).

Women's Health and Genetics/Laboratory Corporation of America, LabCorp
Classification: Likely benign for Hypertrophic Cardiomyopathy. Last evaluated: 2015-10-02. Review status: no assertion criteria provided. Collection method: clinical testing. Allele origin: germline. Not counted in ClinVar's aggregate classification.
Comment: The c.1863C>T (p.Phe621Phe) synonymous variant affects a non-conserved nucleotide. The Mutation Taster predicts a disease-causing outcome while 5/5 in silico programs (via Alamut) predict no significant effect on splicing. The variant was observed in the large, broad control population, ExAC with an allele frequency of 0.023% which does not exceed the maximal expected allele frequency of a disease causing MYBPC3 alleles. The variant has not been reported in CMYO patients and in vivo/vitro studies to describe the impact of the variant on splicing or mRNA levels have not been published at the time of scoring. Multiple reputable clinical laboratories classify the variant as “Likely Benign/Benign” without providing evidence. Considering all evidence, the variant of interest is classified as Possibly Normal Variant, until additional information becomes available.